The following is an entry in ClinVar:

NM_024678.6(NARS2):c.188A>G (p.His63Arg)

Gene: NARS2 (asparaginyl-tRNA synthetase 2, mitochondrial; minus strand). Cytogenetic location: 11q14.1.
Variant type: single nucleotide variant.
Coding change: c.188A>G on transcript NM_024678.6 (MANE Select); coding-DNA position 188, A replaced by G.
Protein change: p.His63Arg; replaces histidine 63 with arginine.
Molecular consequence: missense variant. On other transcripts: 5 prime UTR variant (6), non-coding transcript variant (4), intron variant (1).
Genome position (GRCh38, 1-based): chr11:78,571,398, T>C on the plus strand (A>G on the coding strand, the complement: NARS2 is on the minus strand). VCF-style: chr11-78571398-T-C. GRCh37 (hg19) VCF-style: chr11-78282443-T-C.
Other names: c.-494A>G (NM_001243251.2, NM_001425310.1, NM_001425313.1 and 1 more transcripts); c.188A>G, p.His63Arg (NM_001425299.1, NM_001425300.1, NM_001425301.1 and 7 more transcripts); c.-369A>G (NM_001425311.1); c.-566A>G (NM_001425312.1); c.141+2950A>G (NM_001425308.1); short protein forms H63R.
Identifiers: ClinVar variation 3364790 (VCV003364790.1).

ClinVar aggregate classification (germline): Uncertain significance (1 of 4 stars; one submission).

gnomAD v4.1: 3 of 1,613,710 alleles (0.00019%); highest among the groups gnomAD compares: Non-Finnish European, 0.00025%; no homozygotes.

Submission:

GeneDx
Classification: Uncertain significance. Last evaluated: 2023-11-21. Review status: criteria provided, single submitter. Criteria: GeneDx Variant Classification Process June 2021. Collection method: clinical testing. Allele origin: germline. Affected: yes.
Comment: Not observed at significant frequency in large population cohorts (gnomAD); In silico analysis supports that this missense variant has a deleterious effect on protein structure/function; Has not been previously published as pathogenic or benign to our knowledge